The following is an entry in ClinVar:

NM_000540.3(RYR1):c.9615C>G (p.Phe3205Leu)

Gene: RYR1 (ryanodine receptor 1; plus strand). Cytogenetic location: 19q13.2.
Variant type: single nucleotide variant.
Coding change: c.9615C>G on transcript NM_000540.3 (MANE Select); coding-DNA position 9615, C replaced by G.
Protein change: p.Phe3205Leu; replaces phenylalanine 3205 with leucine.
Molecular consequence: missense variant.
Genome position (GRCh38, 1-based): chr19:38,516,147, C>G. VCF-style: chr19-38516147-C-G. GRCh37 (hg19) VCF-style: chr19-39006787-C-G.
Other names: c.9615C>G, p.Phe3205Leu (NM_001042723.2); short protein forms F3205L.
Identifiers: ClinVar variation 448183 (VCV000448183.16), dbSNP rs1223136232, ClinGen allele CA405690356.

ClinVar aggregate classification (germline): Uncertain significance. Review status: criteria provided, multiple submitters, no conflicts (2 of 4 stars). 5 submissions from 5 submitters: Uncertain significance (5). Last evaluated 2024-07-01.

Conditions:
King Denborough syndrome (KDS). Identifiers: MedGen C1840365, MONDO:0020485, OMIM 619542.
Congenital multicore myopathy with external ophthalmoplegia (CMYO1B). Also called: MULTICORE MYOPATHY; Minicore myopathy with external ophthalmoplegia; Congenital myopathy 1B, autosomal recessive; Minicore myopathy; MULTIMINICORE DISEASE WITH EXTERNAL OPHTHALMOPLEGIA. Identifiers: Orphanet 598, Orphanet 98905, MedGen C1850674, MONDO:0009712, OMIM 255320, HP:0003789.
Malignant hyperthermia, susceptibility to, 1 (MHS1). Also called: RYR1-Related Malignant Hyperthermia Susceptibility; Malignant hyperthermia suceptibility 1; Anesthesia related hyperthermia; Malignant hyperpyrexia; Fulminating hyperpyrexia; Pharmacogenic myopathy. Identifiers: Orphanet 423, MedGen C2930980, MONDO:0007783, OMIM 145600.
Congenital myopathy with fiber type disproportion. Also called: Congenital fiber-type disproportion myopathy; Congenital fiber-type disproportion. Identifiers: Orphanet 2020, MedGen C0546264, MONDO:0009711. Inheritance: all.
Central core myopathy (CMYO1A). Also called: CONGENITAL MYOPATHY 1A, AUTOSOMAL DOMINANT, WITH SUSCEPTIBILITY TO MALIGNANT HYPERTHERMIA; Central core disease; Myopathy, central fibrillar. Identifiers: Orphanet 597, MedGen C5830701, MONDO:0007294, OMIM 117000.
RYR1-related disorder. Also called: RYR1-related condition; RYR1-related disorders. Identifiers: MedGen CN239331.

Allele frequency attached by ClinVar (database versions not stated): gnomAD 0.00001; gnomAD exomes 0.00001; TOPMed 0.00001.
gnomAD v4.1: 4 of 1,554,154 alleles (0.00026%); highest among the groups gnomAD compares: African/African-American, 0.0055%; no homozygotes.

Submissions (5):

GeneDx
Classification: Uncertain significance. Last evaluated: 2024-07-01. Review status: criteria provided, single submitter. Criteria: GeneDx Variant Classification Process June 2021. Collection method: clinical testing. Allele origin: germline. Affected: yes.
Comment: In silico analysis supports that this missense variant has a deleterious effect on protein structure/function; Has not been previously published as pathogenic or benign to our knowledge; This variant is associated with the following publications: (PMID: 12668474)

Labcorp Genetics (formerly Invitae), Labcorp
Classification: Uncertain significance for RYR1-related disorder. Last evaluated: 2024-01-29. Review status: criteria provided, single submitter. Criteria: Invitae Variant Classification Sherloc (09022015). Collection method: clinical testing. Allele origin: germline.
Comment: This sequence change replaces phenylalanine, which is neutral and non-polar, with leucine, which is neutral and non-polar, at codon 3205 of the RYR1 protein (p.Phe3205Leu). This variant is present in population databases (no rsID available, gnomAD 0.02%). This variant has not been reported in the literature in individuals affected with RYR1-related conditions. ClinVar contains an entry for this variant (Variation ID: 448183). Advanced modeling of protein sequence and biophysical properties (such as structural, functional, and spatial information, amino acid conservation, physicochemical variation, residue mobility, and thermodynamic stability) performed at Invitae indicates that this missense variant is expected to disrupt RYR1 protein function with a positive predictive value of 95%. In summary, the available evidence is currently insufficient to determine the role of this variant in disease. Therefore, it has been classified as a Variant of Uncertain Significance.

Fulgent Genetics
Classification: Uncertain significance for Central core myopathy; Malignant hyperthermia, susceptibility to, 1; Congenital myopathy 4A, autosomal dominant; Congenital multicore myopathy with external ophthalmoplegia; King Denborough syndrome. Last evaluated: 2021-08-30. Review status: criteria provided, single submitter. Criteria: ACMG Guidelines, 2015. Collection method: clinical testing. Allele origin: unknown.

Revvity Omics, Revvity
Classification: Uncertain significance. Last evaluated: 2019-05-20. Review status: criteria provided, single submitter. Criteria: ACMG Guidelines, 2015. Collection method: clinical testing. Allele origin: germline.

Athena Diagnostics
Classification: Uncertain significance. Last evaluated: 2017-03-21. Review status: criteria provided, single submitter. Criteria: Athena Diagnostics Criteria. Collection method: clinical testing. Allele origin: germline.